The following is an entry in ClinVar:

NM_001267550.2(TTN):c.85519dup (p.Met28507fs)

Genes: TTN (titin; minus strand), TTN-AS1 (TTN antisense RNA 1; plus strand). Cytogenetic location: 2q31.2.
Variant type: Duplication.
Coding change: c.85519dup on transcript NM_001267550.2 (MANE Select); coding-DNA position 85519, one base duplicated (A; older notation c.85519dupA).
Protein change: p.Met28507fs; shifts the reading frame from methionine 28507.
Molecular consequence: frameshift variant.
Genome position (GRCh38, 1-based): chr2:178,560,613, T duplicated on the plus strand (A on the coding strand, the reverse complement: TTN is on the minus strand). VCF-style (leftmost placement, unchanged base first): chr2-178560612-A-AT. GRCh37 (hg19) VCF-style: chr2-179425339-A-AT.
Other names: c.85519dupA (NM_001267550.2); c.80596dup, p.Met26866fs (NM_001256850.1); c.58324dup, p.Met19442fs (NM_003319.4); c.77815dup, p.Met25939fs (NM_133378.4); c.58699dup, p.Met19567fs (NM_133432.3); c.58900dup, p.Met19634fs (NM_133437.4); short protein forms M19567fs, M19634fs, M25939fs, M19442fs, M26866fs, M28507fs.
Identifiers: ClinVar variation 660709 (VCV000660709.10), dbSNP rs1575614351, ClinGen allele CA915942223.

ClinVar aggregate classification (germline): Pathogenic/Likely pathogenic. Review status: criteria provided, multiple submitters, no conflicts (2 of 4 stars). 3 submissions from 3 submitters: Pathogenic (1); Likely pathogenic (1). 1 of the submissions does not count toward it. Last evaluated 2024-03-01.

Conditions:
Dilated cardiomyopathy 1G (CMD1G). Identifiers: Orphanet 154, MedGen C1858763, MONDO:0011400, OMIM 604145.
Autosomal recessive limb-girdle muscular dystrophy type 2J (LGMDR10). Also called: Limb-girdle muscular dystrophy, type 2J; MUSCULAR DYSTROPHY, LIMB-GIRDLE, AUTOSOMAL RECESSIVE 10. Identifiers: Orphanet 140922, MedGen C1837342, MONDO:0012127, OMIM 608807.
Primary dilated cardiomyopathy (DCM). Also called: Dilated Cardiomyopathy. Identifiers: Orphanet 217604, MedGen C0007193, MeSH D002311, MONDO:0005021, HP:0001644. Inheritance: Various modes of inheritance.
Cardiomyopathy (CMYO). Also called: Cardiomyopathies. Identifiers: Orphanet 167848, MedGen C0878544, MONDO:0004994, HP:0001638. Inheritance: Various modes of inheritance.

Submissions (3):

Lildballe Lab, Aarhus University Hospital
Classification: Pathogenic for dilated cardiomyopathy. Last evaluated: 2024-03-01. Review status: criteria provided, single submitter. Criteria: ACMG Guidelines, 2015. Collection method: research. Allele origin: germline. Affected: yes.
Comment: PS4(m), PVS1(vs), PM2(sup)

Labcorp Genetics (formerly Invitae), Labcorp
Classification: Likely pathogenic for Dilated cardiomyopathy 1G; Autosomal recessive limb-girdle muscular dystrophy type 2J. Last evaluated: 2018-10-22. Review status: criteria provided, single submitter. Criteria: Invitae Variant Classification Sherloc (09022015). Collection method: clinical testing. Allele origin: germline.
Comment: In summary, the currently available evidence indicates that the variant is pathogenic, but additional data are needed to prove that conclusively. Therefore, this variant has been classified as Likely Pathogenic. This variant is located in the A band of TTN (PMID: 25589632). Truncating variants in this region are significantly overrepresented in patients affected with dilated cardiomyopathy (PMID: 25589632). Truncating variants in this region have also been reported in individuals affected with autosomal recessive centronuclear myopathy (PMID: 23975875). This variant has not been reported in the literature in individuals with TTN-related disease. This variant is not present in population databases (ExAC no frequency). This sequence change results in a premature translational stop signal in the TTN gene (p.Met28507Asnfs*5). While this is not anticipated to result in nonsense mediated decay, it is expected to create a truncated TTN protein.

Institute of Human Genetics, University of Wuerzburg
Classification: Pathogenic for Cardiomyopathy. Review status: no assertion criteria provided. Collection method: clinical testing. Allele origin: unknown. Affected: yes. Observed: 1 variant allele. Not counted in ClinVar's aggregate classification.

Literature cited by the submitters: PubMed 25741944 (cited by Lildballe Lab, Aarhus University Hospital); PubMed 39481677 (cited by Lildballe Lab, Aarhus University Hospital); PubMed 25589632 (cited by Labcorp Genetics (formerly Invitae), Labcorp); PubMed 23975875 (cited by Labcorp Genetics (formerly Invitae), Labcorp).